The following is an entry in ClinVar:

NM_002488.5(NDUFA2):c.231C>T (p.Val77=)

Genes: NDUFA2 (NADH:ubiquinone oxidoreductase subunit A2; minus strand), TMCO6 (transmembrane and coiled-coil domains 6; plus strand). Cytogenetic location: 5q31.3.
Variant type: single nucleotide variant.
Coding change: c.231C>T on transcript NM_002488.5 (MANE Select); coding-DNA position 231, C replaced by T.
Protein change: p.Val77=; no amino-acid change (valine 77 retained).
Molecular consequence: synonymous variant. On other transcripts: 3 prime UTR variant (1), non-coding transcript variant (1).
Genome position (GRCh38, 1-based): chr5:140,645,656, G>A on the plus strand (C>T on the coding strand, the complement: NDUFA2 is on the minus strand). VCF-style: chr5-140645656-G-A. GRCh37 (hg19) VCF-style: chr5-140025241-G-A.
Other names: p.V77V:GTC>GTT; c.*47C>T (NM_001185012.2).
Identifiers: ClinVar variation 138444 (VCV000138444.12), dbSNP rs138059203, ClinGen allele CA292431.
Genomic context (GRCh38, chr5:140,645,656, plus strand): 5'-ACCACTTAGAACGTTCTCCAGGGCTCTGGTTACCTGATCAGCACTGAAGTTGTTCAAAGG[G>A]ACATTCGTCTCTTGGCCAAATGCTGAAGAGAGAGAGGGAGGTGTCTTTAACTATTCTGCA-3'
Protein context (NP_002479.1, residues 67-87): ARYAFGQETN[Val77=]PLNNFSADQV

ClinVar aggregate classification (germline): Benign/Likely benign. Review status: criteria provided, multiple submitters, no conflicts (2 of 4 stars). 4 submissions from 4 submitters: Benign (2); Likely benign (1). 1 of the submissions does not count toward it. Last evaluated 2025-12-16.

Conditions:
NDUFA2-related disorder. Also called: NDUFA2-related condition.

Allele frequency attached by ClinVar (database versions not stated): gnomAD exomes 0.00018 and 0.00046; ExAC 0.00062; gnomAD 0.00205 and 0.00216; ESP Exome Variant Server 0.00223; TOPMed 0.00228; 1000 Genomes Project 30x 0.00281; 1000 Genomes Project 0.00319.
gnomAD v4.1: 580 of 1,614,158 alleles (0.036%); highest among the groups gnomAD compares: African/African-American, 0.7%; 3 homozygotes.

Submissions (4):

Labcorp Genetics (formerly Invitae), Labcorp
Classification: Benign. Last evaluated: 2025-12-16. Review status: criteria provided, single submitter. Criteria: Invitae Variant Classification Sherloc (09022015). Collection method: clinical testing. Allele origin: germline.

Blueprint Genetics
Classification: Likely benign. Last evaluated: 2024-10-22. Review status: criteria provided, single submitter. Criteria: ACMG Guidelines, 2015. Collection method: clinical testing. Allele origin: germline.

GeneDx
Classification: Benign. Last evaluated: 2012-11-28. Review status: criteria provided, single submitter. Criteria: GeneDx Variant Classification (06012015). Collection method: clinical testing. Allele origin: germline. Affected: yes.
Comment: This variant is considered likely benign or benign based on one or more of the following criteria: it is a conservative change, it occurs at a poorly conserved position in the protein, it is predicted to be benign by multiple in silico algorithms, and/or has population frequency not consistent with disease.

PreventionGenetics, part of Exact Sciences
Classification: Benign for NDUFA2-related condition. Last evaluated: 2024-09-06. Review status: no assertion criteria provided. Collection method: clinical testing. Allele origin: germline. Not counted in ClinVar's aggregate classification.
Comment: This variant is classified as benign based on ACMG/AMP sequence variant interpretation guidelines (Richards et al. 2015 PMID: 25741868, with internal and published modifications).